The following is an entry in ClinVar:

NM_001008212.2(OPTN):c.882+2_882+3del

Gene: OPTN (optineurin; plus strand). Cytogenetic location: 10p13.
Variant type: Microsatellite.
Coding change: c.882+2_882+3del on transcript NM_001008212.2 (MANE Select); the canonical splice donor site of the intron after coding-DNA position 882 through 3 bases into the intron after coding-DNA position 882, 2 bases deleted (TG; older notation c.882+2_882+3delTG).
Molecular consequence: splice donor variant.
Genome position (GRCh38, 1-based): chr10:13,122,489-13,122,490, TG deleted; deleting any 2 consecutive bases within chr10:13,122,487-13,122,490 gives the same sequence; the c. name uses the placement nearest the transcript's 3' end. VCF-style (leftmost placement, unchanged base first): chr10-13122486-CTG-C. GRCh37 (hg19) VCF-style: chr10-13164486-CTG-C.
Other names: c.882+2_882+3del (NM_001008211.1, NM_001008213.1, NM_021980.4).
Identifiers: ClinVar variation 2133437 (VCV002133437.4), dbSNP rs2539062305, ClinGen allele CA2580615432.

ClinVar aggregate classification (germline): Likely pathogenic (1 of 4 stars; one submission).

Conditions:
Primary open angle glaucoma (POAG). Also called: OPTN-related open angle glaucoma. Identifiers: MedGen C0339573, MONDO:0100553, OMIM 137760.
Amyotrophic lateral sclerosis type 12 (ALS12). Also called: AMYOTROPHIC LATERAL SCLEROSIS 12 WITH OR WITHOUT FRONTOTEMPORAL DEMENTIA. Identifiers: Orphanet 803, MedGen C3150692, MONDO:0013264, OMIM 613435.
Glaucoma 1, open angle, E. Identifiers: MedGen C1842026, MONDO:0007665.

Submission:

Labcorp Genetics (formerly Invitae), Labcorp
Classification: Likely pathogenic for Primary open angle glaucoma; Glaucoma 1, open angle, E; Amyotrophic lateral sclerosis type 12. Last evaluated: 2022-05-04. Review status: criteria provided, single submitter. Criteria: Invitae Variant Classification Sherloc (09022015). Collection method: clinical testing. Allele origin: germline.
Comment: This sequence change affects a splice site in intron 7 of the OPTN gene. It is expected to disrupt RNA splicing. Variants that disrupt the donor or acceptor splice site typically lead to a loss of protein function (PMID: 16199547), and loss-of-function variants in OPTN are known to be pathogenic (PMID: 20428114). In summary, the currently available evidence indicates that the variant is pathogenic, but additional data are needed to prove that conclusively. Therefore, this variant has been classified as Likely Pathogenic. Algorithms developed to predict the effect of sequence changes on RNA splicing suggest that this variant may disrupt the consensus splice site. This variant has not been reported in the literature in individuals affected with OPTN-related conditions. This variant is not present in population databases (gnomAD no frequency).

Literature cited by the submitters: PubMed 16199547; PubMed 20428114.